The following is an entry in ClinVar:

NM_001114134.2(EPB42):c.293_300dup (p.Ser101fs)

Gene: EPB42 (erythrocyte membrane protein band 4.2; minus strand). Cytogenetic location: 15q15.2.
Variant type: Duplication.
Coding change: c.293_300dup on transcript NM_001114134.2 (MANE Select); coding-DNA positions 293 to 300, 8 bases duplicated (ATGCCCAG; older notation c.293_300dupATGCCCAG).
Protein change: p.Ser101fs; shifts the reading frame from serine 101.
Molecular consequence: frameshift variant.
Genome position (GRCh38, 1-based): chr15:43,215,225-43,215,232, CTGGGCAT duplicated on the plus strand (ATGCCCAG on the coding strand, the reverse complement: EPB42 is on the minus strand); duplicating any 8 consecutive bases within chr15:43,215,225-43,215,234 gives the same sequence; the c. name uses the placement nearest the transcript's 3' end. VCF-style (leftmost placement, unchanged base first): chr15-43215224-A-ACTGGGCAT. GRCh37 (hg19) VCF-style: chr15-43507422-A-ACTGGGCAT.
Other names: c.383_390dup, p.Ser131fs (NM_000119.3); short protein forms S101fs, S131fs.
Identifiers: ClinVar variation 1163094 (VCV001163094.5), dbSNP rs1215949434, ClinGen allele CA618003134.
Genomic context (GRCh38, chr15:43,215,224, plus strand): 5'-GCAGAAGCGAGTAGTGGCCAATGACAGCGTCCGCAGGTGTGGTCACAGAGATGGTCCAGG[A>ACTGGGCAT]CTGGGCATCTCTCTCCTCCACCACTGCACTCCACCACTTTCGGTCCCCCAGACTGGAAAT-3'

ClinVar aggregate classification (germline): Likely pathogenic (1 of 4 stars; one submission).

Submission:

Mayo Clinic Laboratories, Mayo Clinic
Classification: Likely pathogenic. Last evaluated: 2019-05-24. Review status: criteria provided, single submitter. Criteria: ACMG Guidelines, 2015. Collection method: clinical testing. Allele origin: germline. Observed: 1 variant allele.
Comment: PVS1, PM2